The following is an entry in ClinVar:

ClinVar aggregate classification (germline): Uncertain significance (1 of 4 stars; one submission).

Conditions:
Leigh syndrome (NULS). Also called: Leigh's necrotizing encephalopathy; Leigh's disease; Leigh Syndrome (mtDNA deletion); Leigh Disease; Subacute necrotizing encephalopathy; Necrotizing encephalopathy infantile subacute of Leigh. Identifiers: Orphanet 506, MedGen C2931891, MONDO:0009723, OMIM 256000.

Submission:

Wong Mito Lab, Molecular and Human Genetics, Baylor College of Medicine
Classification: Uncertain significance for Leigh syndrome. Last evaluated: 2019-10-17. Review status: criteria provided, single submitter. Criteria: Modified ACMG Guidelines (Unpublished). Collection method: clinical testing. Allele origin: germline.
Comment: The NC_012920.1:m.4759T>C (YP_003024027.1:p.Met97Thr) variant in MTND2 gene is interpretated to be a Uncertain Significance variant based on the modified ACMG guidelines (unpublished). This variant meets the following evidence codes: BP4, PP7

NC_012920.1(MT-ND2):m.4759T>C

Gene: MT-ND2 (mitochondrially encoded NADH dehydrogenase 2; plus strand).
Variant type: single nucleotide variant.
Genome position: chrM-4759-T-C.
Identifiers: ClinVar variation 692497 (VCV000692497.1), dbSNP rs1603219604, ClinGen allele CA414775660.